The following is an entry in ClinVar:

ClinVar aggregate classification (germline): Uncertain significance. Review status: criteria provided, multiple submitters, no conflicts (2 of 4 stars). 3 submissions from 3 submitters: Uncertain significance (3). Last evaluated 2024-05-31.

Conditions:
Hereditary fructosuria. Also called: Fructose intolerance; ALDOB DEFICIENCY; ALDOLASE B DEFICIENCY; FRUCTOSE-1,6-BISPHOSPHATE ALDOLASE B DEFICIENCY; FRUCTOSE-1-PHOSPHATE ALDOLASE DEFICIENCY; FRUCTOSEMIA. Identifiers: Orphanet 469, MedGen C0016751, MONDO:0009249, OMIM 229600, HP:0005973. Disease mechanism: loss of function.

Allele frequency attached by ClinVar (database versions not stated): gnomAD 0.00001; ExAC 0.00002; gnomAD exomes 0.00003; TOPMed 0.00003.
gnomAD v4.1: 49 of 1,613,790 alleles (0.003%); highest among the groups gnomAD compares: Middle Eastern, 0.017%; no homozygotes.

Submissions (3):

Mayo Clinic Laboratories, Mayo Clinic
Classification: Uncertain significance. Last evaluated: 2024-05-31. Review status: criteria provided, single submitter. Criteria: ACMG Guidelines, 2015. Collection method: clinical testing. Allele origin: germline. Observed: 1 variant allele.
Comment: PM2

Fulgent Genetics
Classification: Uncertain significance for Hereditary fructosuria. Last evaluated: 2021-07-11. Review status: criteria provided, single submitter. Criteria: ACMG Guidelines, 2015. Collection method: clinical testing. Allele origin: unknown.

Illumina Laboratory Services, Illumina
Classification: Uncertain significance for Hereditary fructosuria. Last evaluated: 2018-01-13. Review status: criteria provided, single submitter. Criteria: ICSL Variant Classification Criteria 13 December 2019. Collection method: clinical testing. Allele origin: germline.

NM_000035.4(ALDOB):c.956C>T (p.Ala319Val)

Gene: ALDOB (aldolase, fructose-bisphosphate B; minus strand). Cytogenetic location: 9q31.1.
Variant type: single nucleotide variant.
Coding change: c.956C>T on transcript NM_000035.4 (MANE Select); coding-DNA position 956, C replaced by T.
Protein change: p.Ala319Val; replaces alanine 319 with valine.
Molecular consequence: missense variant.
Genome position (GRCh38, 1-based): chr9:101,424,886, G>A on the plus strand (C>T on the coding strand, the complement: ALDOB is on the minus strand). VCF-style: chr9-101424886-G-A. GRCh37 (hg19) VCF-style: chr9-104187168-G-A.
Other names: p.Ala319Val; c.956C>T, p.Ala319Val (LRG_1244t1); short protein forms A319V.
Identifiers: ClinVar variation 364308 (VCV000364308.7), dbSNP rs755508323, ClinGen allele CA5161425.